The following is an entry in ClinVar:

NM_001042492.3(NF1):c.3787A>G (p.Lys1263Glu)

Gene: NF1 (neurofibromin 1; plus strand). Cytogenetic location: 17q11.2.
Variant type: single nucleotide variant.
Coding change: c.3787A>G on transcript NM_001042492.3 (MANE Select); coding-DNA position 3787, A replaced by G.
Protein change: p.Lys1263Glu; replaces lysine 1263 with glutamic acid.
Molecular consequence: missense variant.
Genome position (GRCh38, 1-based): chr17:31,235,689, A>G. VCF-style: chr17-31235689-A-G. GRCh37 (hg19) VCF-style: chr17-29562707-A-G.
Other names: c.3787A>G, p.Lys1263Glu (NM_000267.4); short protein forms K1263E.
Identifiers: ClinVar variation 2834037 (VCV002834037.3), dbSNP rs2067187702, ClinGen allele CA398992606.

ClinVar aggregate classification (germline): Uncertain significance (1 of 4 stars; one submission).

Conditions:
Neurofibromatosis, type 1 (NF1). Also called: VON RECKLINGHAUSEN DISEASE; NEUROFIBROMATOSIS, TYPE I, SOMATIC; Neurofibromatosis, type I; Peripheral type neurofibromatosis. Identifiers: Orphanet 636, MedGen C0027831, MONDO:0018975, OMIM 162200. Disease mechanism: loss of function.

Submission:

Labcorp Genetics (formerly Invitae), Labcorp
Classification: Uncertain significance for Neurofibromatosis, type 1. Last evaluated: 2023-02-03. Review status: criteria provided, single submitter. Criteria: Invitae Variant Classification Sherloc (09022015). Collection method: clinical testing. Allele origin: germline.
Comment: This sequence change replaces lysine, which is basic and polar, with glutamic acid, which is acidic and polar, at codon 1263 of the NF1 protein (p.Lys1263Glu). This variant is not present in population databases (gnomAD no frequency). This variant has not been reported in the literature in individuals affected with NF1-related conditions. Advanced modeling of protein sequence and biophysical properties (such as structural, functional, and spatial information, amino acid conservation, physicochemical variation, residue mobility, and thermodynamic stability) performed at Invitae indicates that this missense variant is expected to disrupt NF1 protein function. In summary, the available evidence is currently insufficient to determine the role of this variant in disease. Therefore, it has been classified as a Variant of Uncertain Significance.